The following is an entry in ClinVar:

NM_020810.3(TRMT5):c.425C>T (p.Pro142Leu)

Gene: TRMT5 (tRNA methyltransferase 5; minus strand). Cytogenetic location: 14q23.1.
Variant type: single nucleotide variant.
Coding change: c.425C>T on transcript NM_020810.3 (MANE Select); coding-DNA position 425, C replaced by T.
Protein change: p.Pro142Leu; replaces proline 142 with leucine.
Molecular consequence: missense variant.
Genome position (GRCh38, 1-based): chr14:60,979,473, G>A on the plus strand (C>T on the coding strand, the complement: TRMT5 is on the minus strand). VCF-style: chr14-60979473-G-A. GRCh37 (hg19) VCF-style: chr14-61446191-G-A.
Other names: c.509C>T, p.Pro170Leu (NM_001350253.1); c.506C>T, p.Pro169Leu (NM_001350254.1); c.425C>T (NM_020810.2); short protein forms P169L, P170L, P142L.
Identifiers: ClinVar variation 2063917 (VCV002063917.2), dbSNP rs900320356, ClinGen allele CA261752525.
Genomic context (GRCh38, chr14:60,979,473, plus strand): 5'-AGCTGCTCTAAAACACTGAGTTCTGCTTTCTCAAAGGAATCATGAGTAAATATTTTATAG[G>A]GATCCAACATGATTAGTCTACTTTCTTTATCTTCCGGATCTTCAATCACACGTCTTATGC-3'
Protein context (NP_065861.3, residues 132-152): DKESRLIMLD[Pro142Leu]YKIFTHDSFE

ClinVar aggregate classification (germline): Uncertain significance. Review status: criteria provided, multiple submitters, no conflicts (2 of 4 stars). 2 submissions from 2 submitters: Uncertain significance (2). Last evaluated 2025-10-07.

Conditions:
Inborn genetic diseases. Identifiers: MedGen C0950123, MeSH D030342.

Allele frequency attached by ClinVar (database versions not stated): TOPMed 0.00001.
gnomAD v4.1: 4 of 1,614,040 alleles (0.00025%); highest among the groups gnomAD compares: Non-Finnish European, 0.00034%; no homozygotes.

Submissions (2):

Ambry Genetics
Classification: Uncertain significance for Inborn genetic diseases. Last evaluated: 2025-10-07. Review status: criteria provided, single submitter. Criteria: Ambry Variant Classification Scheme 2023. Collection method: clinical testing. Allele origin: germline.

Labcorp Genetics (formerly Invitae), Labcorp
Classification: Uncertain significance. Last evaluated: 2022-05-28. Review status: criteria provided, single submitter. Criteria: Invitae Variant Classification Sherloc (09022015). Collection method: clinical testing. Allele origin: germline.
Comment: This sequence change replaces proline, which is neutral and non-polar, with leucine, which is neutral and non-polar, at codon 142 of the TRMT5 protein (p.Pro142Leu). This variant is present in population databases (no rsID available, gnomAD 0.0009%). This variant has not been reported in the literature in individuals affected with TRMT5-related conditions. Algorithms developed to predict the effect of missense changes on protein structure and function are either unavailable or do not agree on the potential impact of this missense change (SIFT: "Deleterious"; PolyPhen-2: "Probably Damaging"; Align-GVGD: "Class C0"). In summary, the available evidence is currently insufficient to determine the role of this variant in disease. Therefore, it has been classified as a Variant of Uncertain Significance.